The following is an entry in ClinVar:

ClinVar aggregate classification (germline): Pathogenic (1 of 4 stars; one submission).

Conditions:
Alagille syndrome due to a JAG1 point mutation. Also called: Alagille Syndrome 1; HEPATIC DUCTULAR HYPOPLASIA, SYNDROMATIC; JAG1-Related Alagille Syndrome. Identifiers: Orphanet 261619, Orphanet 52, MedGen C1956125, MONDO:0016862, OMIM 118450.

Submission:

Labcorp Genetics (formerly Invitae), Labcorp
Classification: Pathogenic for Alagille syndrome due to a JAG1 point mutation. Last evaluated: 2022-06-19. Review status: criteria provided, single submitter. Criteria: Invitae Variant Classification Sherloc (09022015). Collection method: clinical testing. Allele origin: germline.
Comment: This sequence change creates a premature translational stop signal (p.Cys265*) in the JAG1 gene. It is expected to result in an absent or disrupted protein product. Loss-of-function variants in JAG1 are known to be pathogenic (PMID: 11180599). For these reasons, this variant has been classified as Pathogenic. This variant has not been reported in the literature in individuals affected with JAG1-related conditions. This variant is not present in population databases (gnomAD no frequency).

Literature cited by the submitters: PubMed 11180599.

NM_000214.3(JAG1):c.795C>A (p.Cys265Ter)

Gene: JAG1 (jagged canonical Notch ligand 1; minus strand). Cytogenetic location: 20p12.2.
Variant type: single nucleotide variant.
Coding change: c.795C>A on transcript NM_000214.3 (MANE Select); coding-DNA position 795, C replaced by A.
Protein change: p.Cys265Ter; replaces cysteine 265 with a stop codon.
Molecular consequence: nonsense.
Genome position (GRCh38, 1-based): chr20:10,652,559, G>T on the plus strand (C>A on the coding strand, the complement: JAG1 is on the minus strand). VCF-style: chr20-10652559-G-T. GRCh37 (hg19) VCF-style: chr20-10633207-G-T.
Other names: short protein forms C265*.
Identifiers: ClinVar variation 2008377 (VCV002008377.4), dbSNP rs2514521753, ClinGen allele CA408239400.